The following is an entry in ClinVar:

NM_024876.4(COQ8B):c.1128T>C (p.Asp376=)

Gene: COQ8B (coenzyme Q8B; minus strand). Cytogenetic location: 19q13.2.
Variant type: single nucleotide variant.
Coding change: c.1128T>C on transcript NM_024876.4 (MANE Select); coding-DNA position 1128, T replaced by C.
Protein change: p.Asp376=; no amino-acid change (aspartic acid 376 retained).
Molecular consequence: synonymous variant.
Genome position (GRCh38, 1-based): chr19:40,700,082, A>G on the plus strand (T>C on the coding strand, the complement: COQ8B is on the minus strand). VCF-style: chr19-40700082-A-G. GRCh37 (hg19) VCF-style: chr19-41205987-A-G.
Other names: c.1005T>C, p.Asp335= (NM_001142555.3).
Identifiers: ClinVar variation 507530 (VCV000507530.1), dbSNP rs1361328591, ClinGen allele CA507503388.

ClinVar aggregate classification (germline): Likely benign (1 of 4 stars; one submission).

Allele frequency attached by ClinVar (database versions not stated): TOPMed 0.00002 and 0.00001; gnomAD 0.00001.
gnomAD v4.1: 1 of 1,614,120 alleles (0.000062%); highest among the groups gnomAD compares: African/African-American, 0.0013%; no homozygotes.

Submission:

GeneDx
Classification: Likely benign. Last evaluated: 2017-03-03. Review status: criteria provided, single submitter. Criteria: GeneDx Variant Classification (06012015). Collection method: clinical testing. Allele origin: germline. Affected: yes.
Comment: This variant is considered likely benign or benign based on one or more of the following criteria: it is a conservative change, it occurs at a poorly conserved position in the protein, it is predicted to be benign by multiple in silico algorithms, and/or has population frequency not consistent with disease.